The following is an entry in ClinVar:

NM_001038.6(SCNN1A):c.614G>A (p.Ser205Asn)

Gene: SCNN1A (sodium channel epithelial 1 subunit alpha; minus strand). Cytogenetic location: 12p13.31.
Variant type: single nucleotide variant.
Coding change: c.614G>A on transcript NM_001038.6 (MANE Select); coding-DNA position 614, G replaced by A.
Protein change: p.Ser205Asn; replaces serine 205 with asparagine.
Molecular consequence: missense variant.
Genome position (GRCh38, 1-based): chr12:6,363,513, C>T on the plus strand (G>A on the coding strand, the complement: SCNN1A is on the minus strand). VCF-style: chr12-6363513-C-T. GRCh37 (hg19) VCF-style: chr12-6472679-C-T.
Other names: c.683G>A, p.Ser228Asn (NM_001159575.2); c.791G>A, p.Ser264Asn (NM_001159576.2); short protein forms S205N, S228N, S264N.
Identifiers: ClinVar variation 753384 (VCV000753384.7), dbSNP rs147866964, ClinGen allele CA6406170.
Genomic context (GRCh38, chr12:6,363,513, plus strand): 5'-CCGATCTTCCAGTCCTTCCAGTCCACCTGGGGGTTGTTGTCCCGCAAGCTGGAGGCCACG[C>T]TACGGGCTCGACGGGCCCCGTGAGGCGGGGGCGGGACCCTCAGGCGCTGCAAGGGGTGCG-3'
Protein context (NP_001029.1, residues 195-215): PPPHGARRAR[Ser205Asn]VASSLRDNNP

ClinVar aggregate classification (germline): Likely benign. Review status: criteria provided, single submitter (1 of 4 stars). 2 submissions from 2 submitters: Likely benign (1). 1 of the submissions does not count toward it. Last evaluated 2025-09-03.

Allele frequency attached by ClinVar (database versions not stated): gnomAD exomes 0.00029; ExAC 0.00047; gnomAD 0.00067; ESP Exome Variant Server 0.00093; TOPMed 0.00104; 1000 Genomes Project 0.00220; 1000 Genomes Project 30x 0.00234.
gnomAD v4.1: 311 of 1,609,166 alleles (0.019%); highest among the groups gnomAD compares: African/African-American, 0.36%; no homozygotes.

Submissions (2):

Labcorp Genetics (formerly Invitae), Labcorp
Classification: Likely benign. Last evaluated: 2025-09-03. Review status: criteria provided, single submitter. Criteria: Invitae Variant Classification Sherloc (09022015). Collection method: clinical testing. Allele origin: germline.

Department of Pathology and Laboratory Medicine, Sinai Health System
Classification: Uncertain significance. Review status: no assertion criteria provided. Collection method: clinical testing. Allele origin: unknown. Affected: yes. Study: The Canadian Open Genetics Repository (COGR). Not counted in ClinVar's aggregate classification.
Comment: The SCNN1A p.Ser264Asn variant was not identified in the literature nor was it identified in ClinVar, Cosmic or LOVD 3.0. The variant was identified in dbSNP (ID: rs147866964) and was found in control databases in 91 of 270566 chromosomes at a frequency of 0.000336 (Genome Aggregation Database Feb 27, 2017). The variant was observed in the following populations: African in 84 of 23078 chromosomes (freq: 0.00364), Latino in 6 of 34754 chromosomes (freq: 0.000173) and European (non-Finnish) in 1 of 122014 chromosomes (freq: 0.000008), while the variant was not observed in the Ashkenazi Jewish, East Asian, European (Finnish), Other and South Asian populations. The variant occurs outside of the splicing consensus sequence and in silico or computational prediction software programs (SpliceSiteFinder, MaxEntScan, NNSPLICE, GeneSplicer) do not predict a greater than 10% difference in splicing. The p.Ser264 residue is not conserved in mammals and computational analyses (PolyPhen-2, SIFT, AlignGVGD, BLOSUM, MutationTaster) provide inconsistent predictions regarding the impact to the protein; this information is not very predictive of pathogenicity. In summary, based on the above information the clinical significance of this variant cannot be determined with certainty at this time. This variant is classified as a variant of uncertain significance.